The following is an entry in ClinVar:

ClinVar aggregate classification (germline): Uncertain significance (1 of 4 stars; one submission).

Allele frequency attached by ClinVar (database versions not stated): TOPMed 0.00001.

Submission:

Labcorp Genetics (formerly Invitae), Labcorp
Classification: Uncertain significance. Last evaluated: 2022-01-15. Review status: criteria provided, single submitter. Criteria: Invitae Variant Classification Sherloc (09022015). Collection method: clinical testing. Allele origin: germline.
Comment: This sequence change replaces serine, which is neutral and polar, with proline, which is neutral and non-polar, at codon 319 of the ACBD5 protein (p.Ser319Pro). This variant is not present in population databases (gnomAD no frequency). This variant has not been reported in the literature in individuals affected with ACBD5-related conditions. Algorithms developed to predict the effect of missense changes on protein structure and function are either unavailable or do not agree on the potential impact of this missense change (SIFT: "Deleterious"; PolyPhen-2: "Probably Damaging"; Align-GVGD: "Class C0"). In summary, the available evidence is currently insufficient to determine the role of this variant in disease. Therefore, it has been classified as a Variant of Uncertain Significance.

NM_145698.5(ACBD5):c.955T>C (p.Ser319Pro)

Gene: ACBD5 (acyl-CoA binding domain containing 5; minus strand). Cytogenetic location: 10p12.1.
Variant type: single nucleotide variant.
Coding change: c.955T>C on transcript NM_145698.5 (MANE Select); coding-DNA position 955, T replaced by C.
Protein change: p.Ser319Pro; replaces serine 319 with proline.
Molecular consequence: missense variant.
Genome position (GRCh38, 1-based): chr10:27,211,063, A>G on the plus strand (T>C on the coding strand, the complement: ACBD5 is on the minus strand). VCF-style: chr10-27211063-A-G. GRCh37 (hg19) VCF-style: chr10-27499992-A-G.
Other names: c.850T>C, p.Ser284Pro (NM_001042473.4, NM_001352577.2, NM_001352578.2 and 1 more transcripts); c.949T>C, p.Ser317Pro (NM_001271512.3); c.628T>C, p.Ser210Pro (NM_001301251.2, NM_001301252.2, NM_001301253.2 and 2 more transcripts); c.424T>C, p.Ser142Pro (NM_001301254.2); c.1009T>C, p.Ser337Pro (NM_001352568.1); c.988T>C, p.Ser330Pro (NM_001352569.1); c.955T>C, p.Ser319Pro (NM_001352570.1); c.982T>C, p.Ser328Pro (NM_001352571.1); and 10 more; short protein forms S262P, S326P, S216P, S284P, S312P, S328P, S330P, S221P.
Identifiers: ClinVar variation 1363587 (VCV001363587.8), dbSNP rs2061025782, ClinGen allele CA376374232.